The following is an entry in ClinVar:

NM_001042492.3(NF1):c.3497-3T>C

Gene: NF1 (neurofibromin 1; plus strand). Cytogenetic location: 17q11.2.
Variant type: single nucleotide variant.
Coding change: c.3497-3T>C on transcript NM_001042492.3 (MANE Select); 3 bases into the intron before coding-DNA position 3497, T replaced by C.
Molecular consequence: intron variant.
Genome position (GRCh38, 1-based): chr17:31,232,999, T>C. VCF-style: chr17-31232999-T-C. GRCh37 (hg19) VCF-style: chr17-29560017-T-C.
Other names: c.3497-3T>C (NM_000267.4).
Identifiers: ClinVar variation 859583 (VCV000859583.6), dbSNP rs2067140936, ClinGen allele CA916080658.
Genomic context (GRCh38, chr17:31,232,999, plus strand): 5'-GAGAAGCAAAAATTACTTCAGCAAGGCCATGTTAGTAAATTTGCATCTGTTTGTCCACAT[T>C]AGGCTTAGGTTACCACAAGGATCTCCAGACAAGAGCTACATTTATGGAAGTTCTGACAAA-3'

ClinVar aggregate classification (germline): Uncertain significance (1 of 4 stars; one submission).

Conditions:
Neurofibromatosis, type 1 (NF1). Also called: Neurofibromatosis, type I; VON RECKLINGHAUSEN DISEASE; Peripheral type neurofibromatosis; NEUROFIBROMATOSIS, TYPE I, SOMATIC. Identifiers: Orphanet 636, MedGen C0027831, MONDO:0018975, OMIM 162200. Disease mechanism: loss of function.

Submission:

Labcorp Genetics (formerly Invitae), Labcorp
Classification: Uncertain significance for Neurofibromatosis, type 1. Last evaluated: 2019-04-12. Review status: criteria provided, single submitter. Criteria: Invitae Variant Classification Sherloc (09022015). Collection method: clinical testing. Allele origin: germline.
Comment: In summary, the available evidence is currently insufficient to determine the role of this variant in disease. Therefore, it has been classified as a Variant of Uncertain Significance. Nucleotide substitutions within the consensus splice site are a relatively common cause of aberrant splicing (PMID: 17576681, 9536098). Algorithms developed to predict the effect of sequence changes on RNA splicing suggest that this variant is not likely to affect RNA splicing, but this prediction has not been confirmed by published transcriptional studies. This variant has not been reported in the literature in individuals with NF1-related conditions. This variant is not present in population databases (ExAC no frequency). This sequence change falls in intron 26 of the NF1 gene. It does not directly change the encoded amino acid sequence of the NF1 protein, but it affects a nucleotide within the consensus splice site of the intron.

Literature cited by the submitters: PubMed 17576681; PubMed 9536098.